The following is an entry in ClinVar:

ClinVar aggregate classification (germline): Uncertain significance (1 of 4 stars; one submission).

Submission:

Women's Health and Genetics/Laboratory Corporation of America, LabCorp
Classification: Uncertain significance. Last evaluated: 2023-05-24. Review status: criteria provided, single submitter. Criteria: LabCorp Variant Classification Summary - May 2015. Collection method: clinical testing. Allele origin: germline.
Comment: Variant summary: SYP c.61G>C (p.Val21Leu) results in a conservative amino acid change located in the Marvel domain (IPR008253) of the encoded protein sequence. Three of five in-silico tools predict a benign effect of the variant on protein function. The variant was absent in 181023 control chromosomes (gnomAD). The available data on variant occurrences in the general population are insufficient to allow any conclusion about variant significance. To our knowledge, no occurrence of c.61G>C in individuals affected with Intellectual Disability, X-Linked 96 and no experimental evidence demonstrating its impact on protein function have been reported. No clinical diagnostic laboratories have submitted clinical-significance assessments for this variant to ClinVar after 2014. Based on the evidence outlined above, the variant was classified as uncertain significance.

NM_003179.3(SYP):c.61G>C (p.Val21Leu)

Genes: SYP (synaptophysin; minus strand), SYP-AS1 (SYP antisense RNA 1; plus strand). Cytogenetic location: Xp11.23.
Variant type: single nucleotide variant.
Coding change: c.61G>C on transcript NM_003179.3 (MANE Select); coding-DNA position 61, G replaced by C.
Protein change: p.Val21Leu; replaces valine 21 with leucine.
Molecular consequence: missense variant. On other transcripts: non-coding transcript variant (1).
Genome position (GRCh38, 1-based): chrX:49,199,009, C>G on the plus strand (G>C on the coding strand, the complement: SYP is on the minus strand). VCF-style: chrX-49199009-C-G. GRCh37 (hg19) VCF-style: chrX-49055468-C-G.
Other names: short protein forms V21L.
Identifiers: ClinVar variation 2506289 (VCV002506289.1), dbSNP rs1165557985, ClinGen allele CA412954855.